The following is an entry in ClinVar:

NM_018979.4(WNK1):c.4804C>T (p.Pro1602Ser)

Gene: WNK1 (WNK lysine deficient protein kinase 1; plus strand). Cytogenetic location: 12p13.33.
Variant type: single nucleotide variant.
Coding change: c.4804C>T on transcript NM_018979.4 (MANE Select); coding-DNA position 4804, C replaced by T.
Protein change: p.Pro1602Ser; replaces proline 1602 with serine.
Molecular consequence: missense variant.
Genome position (GRCh38, 1-based): chr12:885,608, C>T. VCF-style: chr12-885608-C-T. GRCh37 (hg19) VCF-style: chr12-994774-C-T.
Other names: c.5584C>T, p.Pro1862Ser (NM_001184985.2); c.4063C>T, p.Pro1355Ser (NM_014823.3); c.5560C>T, p.Pro1854Ser (NM_213655.5); short protein forms P1355S, P1854S, P1602S, P1862S.
Identifiers: ClinVar variation 1748308 (VCV001748308.5), dbSNP rs747564375, ClinGen allele CA6383035.

ClinVar aggregate classification (germline): Uncertain significance. Review status: criteria provided, multiple submitters, no conflicts (2 of 4 stars). 2 submissions from 2 submitters: Uncertain significance (2). Last evaluated 2025-05-13.

Conditions:
Inborn genetic diseases. Identifiers: MedGen C0950123, MeSH D030342.
Neuropathy, hereditary sensory and autonomic, type 2A (HSAN2A). Also called: MORVAN DISEASE; NEUROPATHY, CONGENITAL SENSORY; NEUROPATHY, HEREDITARY SENSORY RADICULAR, AUTOSOMAL RECESSIVE; NEUROPATHY, HEREDITARY SENSORY, TYPE IIA; NEUROPATHY, PROGRESSIVE SENSORY, OF CHILDREN; ACROOSTEOLYSIS, GIACCAI TYPE. Identifiers: Orphanet 970, MedGen C2752089, MONDO:0024309, OMIM 201300.
Pseudohypoaldosteronism type 2C (PHA2C). Also called: Pseudohypoaldosteronism Type IIC. Identifiers: Orphanet 757, Orphanet 88940, MedGen C1840391, MONDO:0013778, OMIM 614492.

Allele frequency attached by ClinVar (database versions not stated): gnomAD exomes below 0.00001; ExAC 0.00001.
gnomAD v4.1: 2 of 1,614,184 alleles (0.00012%); highest among the groups gnomAD compares: Non-Finnish European, 0.00017%; no homozygotes.

Submissions (2):

Labcorp Genetics (formerly Invitae), Labcorp
Classification: Uncertain significance for Neuropathy, hereditary sensory and autonomic, type 2A; Pseudohypoaldosteronism type 2C. Last evaluated: 2025-05-13. Review status: criteria provided, single submitter. Criteria: Invitae Variant Classification Sherloc (09022015). Collection method: clinical testing. Allele origin: germline.
Comment: This sequence change replaces proline, which is neutral and non-polar, with serine, which is neutral and polar, at codon 1854 of the WNK1 protein (p.Pro1854Ser). This variant is present in population databases (rs747564375, gnomAD 0.0009%). This variant has not been reported in the literature in individuals affected with WNK1-related conditions. ClinVar contains an entry for this variant (Variation ID: 1748308). Invitae Evidence Modeling of protein sequence and biophysical properties (such as structural, functional, and spatial information, amino acid conservation, physicochemical variation, residue mobility, and thermodynamic stability) indicates that this missense variant is not expected to disrupt WNK1 protein function with a negative predictive value of 95%. In summary, the available evidence is currently insufficient to determine the role of this variant in disease. Therefore, it has been classified as a Variant of Uncertain Significance.

Ambry Genetics
Classification: Uncertain significance for Inborn genetic diseases. Last evaluated: 2021-04-30. Review status: criteria provided, single submitter. Criteria: Ambry Variant Classification Scheme 2023. Collection method: clinical testing. Allele origin: germline.
Comment: The p.P1854S variant (also known as c.5560C>T), located in coding exon 19 of the WNK1 gene, results from a C to T substitution at nucleotide position 5560. The proline at codon 1854 is replaced by serine, an amino acid with similar properties. This amino acid position is well conserved in available vertebrate species; however, serine is the reference amino acid in other vertebrate species. In addition, this alteration is predicted to be tolerated by in silico analysis. Since supporting evidence is limited at this time, the clinical significance of this alteration remains unclear.